The following is an entry in ClinVar:

NM_198271.5(LMOD3):c.1661A>G (p.Gln554Arg)

Gene: LMOD3 (leiomodin 3; minus strand). Cytogenetic location: 3p14.1.
Variant type: single nucleotide variant.
Coding change: c.1661A>G on transcript NM_198271.5 (MANE Select); coding-DNA position 1661, A replaced by G.
Protein change: p.Gln554Arg; replaces glutamine 554 with arginine.
Molecular consequence: missense variant.
Genome position (GRCh38, 1-based): chr3:69,109,117, T>C on the plus strand (A>G on the coding strand, the complement: LMOD3 is on the minus strand). VCF-style: chr3-69109117-T-C. GRCh37 (hg19) VCF-style: chr3-69158268-T-C.
Other names: c.1661A>G, p.Gln554Arg (NM_001304418.3); short protein forms Q554R.
Identifiers: ClinVar variation 945485 (VCV000945485.1), dbSNP rs2092336742, ClinGen allele CA353467678.

ClinVar aggregate classification (germline): Uncertain significance (1 of 4 stars; one submission).

Conditions:
Nemaline myopathy 10 (NEM10). Identifiers: MedGen C4015360, MONDO:0014513, OMIM 616165.

Submission:

Labcorp Genetics (formerly Invitae), Labcorp
Classification: Uncertain significance for Nemaline myopathy 10. Last evaluated: 2019-05-18. Review status: criteria provided, single submitter. Criteria: Invitae Variant Classification Sherloc (09022015). Collection method: clinical testing. Allele origin: germline.
Comment: This sequence change replaces glutamine with arginine at codon 554 of the LMOD3 protein (p.Gln554Arg). The glutamine residue is weakly conserved and there is a small physicochemical difference between glutamine and arginine. This variant is not present in population databases (ExAC no frequency). This variant has not been reported in the literature in individuals with LMOD3-related conditions. Algorithms developed to predict the effect of missense changes on protein structure and function (SIFT, PolyPhen-2, Align-GVGD) all suggest that this variant is likely to be tolerated, but these predictions have not been confirmed by published functional studies and their clinical significance is uncertain. Algorithms developed to predict the effect of sequence changes on RNA splicing suggest that this variant may create or strengthen a splice site, but this prediction has not been confirmed by published transcriptional studies. In summary, the available evidence is currently insufficient to determine the role of this variant in disease. Therefore, it has been classified as a Variant of Uncertain Significance.